The following is an entry in ClinVar:

ClinVar aggregate classification (germline): Uncertain significance (1 of 4 stars; one submission).

gnomAD v4.1: 2 of 1,613,088 alleles (0.00012%); highest among the groups gnomAD compares: Non-Finnish European, 0.00017%; no homozygotes.

Submission:

GeneDx
Classification: Uncertain significance. Last evaluated: 2022-07-18. Review status: criteria provided, single submitter. Criteria: GeneDx Variant Classification Process June 2021. Collection method: clinical testing. Allele origin: germline. Affected: yes.
Comment: Not observed at significant frequency in large population cohorts (gnomAD); In silico analysis supports that this missense variant has a deleterious effect on protein structure/function; Has not been previously published as pathogenic or benign to our knowledge

NM_001145358.2(SIN3A):c.3089A>T (p.Asn1030Ile)

Gene: SIN3A (SIN3 transcription regulator family member A; minus strand). Cytogenetic location: 15q24.2.
Variant type: single nucleotide variant.
Coding change: c.3089A>T on transcript NM_001145358.2 (MANE Select); coding-DNA position 3089, A replaced by T.
Protein change: p.Asn1030Ile; replaces asparagine 1030 with isoleucine.
Molecular consequence: missense variant.
Genome position (GRCh38, 1-based): chr15:75,384,370, T>A on the plus strand (A>T on the coding strand, the complement: SIN3A is on the minus strand). VCF-style: chr15-75384370-T-A. GRCh37 (hg19) VCF-style: chr15-75676711-T-A.
Other names: c.3089A>T, p.Asn1030Ile (NM_001145357.2, NM_015477.3); short protein forms N1030I.
Identifiers: ClinVar variation 2136159 (VCV002136159.1), dbSNP rs2073041299, ClinGen allele CA393487828.